The following is an entry in ClinVar:

NM_000053.4(ATP7B):c.1100G>C (p.Gly367Ala)

Gene: ATP7B (ATPase copper transporting beta; minus strand). Cytogenetic location: 13q14.3.
Variant type: single nucleotide variant.
Coding change: c.1100G>C on transcript NM_000053.4 (MANE Select); coding-DNA position 1100, G replaced by C.
Protein change: p.Gly367Ala; replaces glycine 367 with alanine.
Molecular consequence: missense variant. On other transcripts: intron variant (2).
Genome position (GRCh38, 1-based): chr13:51,974,120, C>G on the plus strand (G>C on the coding strand, the complement: ATP7B is on the minus strand). VCF-style: chr13-51974120-C-G. GRCh37 (hg19) VCF-style: chr13-52548256-C-G.
Other names: c.1100G>C, p.Gly367Ala (NM_001005918.3, NM_001330578.2, NM_001330579.2 and 29 more transcripts); c.1004G>C, p.Gly335Ala (NM_001406517.1, NM_001406518.1, NM_001406530.1 and 3 more transcripts); c.803-36G>C (NM_001243182.2); c.707-36G>C (NM_001406539.1); short protein forms G335A, G367A.
Identifiers: ClinVar variation 2627220 (VCV002627220.1), dbSNP rs1951984080, ClinGen allele CA388039031.

ClinVar aggregate classification (germline): Uncertain significance (1 of 4 stars; one submission).

Allele frequency attached by ClinVar (database versions not stated): TOPMed below 0.00001.

Submission:

Women's Health and Genetics/Laboratory Corporation of America, LabCorp
Classification: Uncertain significance. Last evaluated: 2023-09-01. Review status: criteria provided, single submitter. Criteria: LabCorp Variant Classification Summary - May 2015. Collection method: clinical testing. Allele origin: germline.
Comment: Variant summary: ATP7B c.1100G>C (p.Gly367Ala) results in a non-conservative amino acid change located in the Heavy metal-associated domain (IPR006121) of the encoded protein sequence. Five of five in-silico tools predict a damaging effect of the variant on protein function. The variant was absent in 249464 control chromosomes (gnomAD). The available data on variant occurrences in the general population are insufficient to allow any conclusion about variant significance. c.1100G>C has been reported in the literature in an individual affected with ATP7B related disorder (example: Monies_2017). These data do not allow any conclusion about variant significance. To our knowledge, no experimental evidence demonstrating an impact on protein function has been reported. The following publication has been ascertained in the context of this evaluation (PMID: 28600779). No submitters have cited clinical-significance assessments for this variant to ClinVar after 2014. Based on the evidence outlined above, the variant was classified as uncertain significance.

Literature cited by the submitters: PubMed 28600779.